The following is an entry in ClinVar:

NM_005431.2(XRCC2):c.498G>C (p.Val166=)

Gene: XRCC2 (X-ray repair cross complementing 2; minus strand). Cytogenetic location: 7q36.1.
Variant type: single nucleotide variant.
Coding change: c.498G>C on transcript NM_005431.2 (MANE Select); coding-DNA position 498, G replaced by C.
Protein change: p.Val166=; no amino-acid change (valine 166 retained).
Molecular consequence: synonymous variant.
Genome position (GRCh38, 1-based): chr7:152,648,987, C>G on the plus strand (G>C on the coding strand, the complement: XRCC2 is on the minus strand). VCF-style: chr7-152648987-C-G. GRCh37 (hg19) VCF-style: chr7-152346072-C-G.
Identifiers: ClinVar variation 381646 (VCV000381646.14), dbSNP rs1057521124, ClinGen allele CA16605191.

ClinVar aggregate classification (germline): Likely benign. Review status: criteria provided, multiple submitters, no conflicts (2 of 4 stars). 3 submissions from 3 submitters: Likely benign (3). Last evaluated 2024-02-16.

Conditions:
Hereditary cancer-predisposing syndrome. Also called: Tumor predisposition; Hereditary neoplastic syndrome; Neoplastic Syndromes, Hereditary; Hereditary Cancer Syndrome. Identifiers: Orphanet 140162, MedGen C0027672, MeSH D009386, MONDO:0015356.

Allele frequency attached by ClinVar (database versions not stated): gnomAD exomes below 0.00001; gnomAD 0.00001; TOPMed 0.00001.
gnomAD v4.1: 2 of 1,614,066 alleles (0.00012%); highest among the groups gnomAD compares: Middle Eastern, 0.033%; no homozygotes.

Submissions (3):

Labcorp Genetics (formerly Invitae), Labcorp
Classification: Likely benign. Last evaluated: 2024-02-16. Review status: criteria provided, single submitter. Criteria: Invitae Variant Classification Sherloc (09022015). Collection method: clinical testing. Allele origin: germline.

Ambry Genetics
Classification: Likely benign for Hereditary cancer-predisposing syndrome. Last evaluated: 2019-12-23. Review status: criteria provided, single submitter. Criteria: Ambry Variant Classification Scheme 2023. Collection method: clinical testing. Allele origin: germline.

GeneDx
Classification: Likely benign. Last evaluated: 2016-05-26. Review status: criteria provided, single submitter. Criteria: GeneDx Variant Classification (06012015). Collection method: clinical testing. Allele origin: germline. Affected: yes.
Comment: This variant is considered likely benign or benign based on one or more of the following criteria: it is a conservative change, it occurs at a poorly conserved position in the protein, it is predicted to be benign by multiple in silico algorithms, and/or has population frequency not consistent with disease.